The following is an entry in ClinVar:

NM_017950.4(CCDC40):c.1153A>C (p.Lys385Gln)

Gene: CCDC40 (coiled-coil domain 40 molecular ruler complex subunit; plus strand). Cytogenetic location: 17q25.3.
Variant type: single nucleotide variant.
Coding change: c.1153A>C on transcript NM_017950.4 (MANE Select); coding-DNA position 1153, A replaced by C.
Protein change: p.Lys385Gln; replaces lysine 385 with glutamine.
Molecular consequence: missense variant.
Genome position (GRCh38, 1-based): chr17:80,050,277, A>C. VCF-style: chr17-80050277-A-C. GRCh37 (hg19) VCF-style: chr17-78024076-A-C.
Other names: c.1153A>C, p.Lys385Gln (NM_001243342.2, NM_001330508.2); c.1153A>C (NM_017950.3); short protein forms K385Q.
Identifiers: ClinVar variation 2905136 (VCV002905136.4), dbSNP rs1052231640, ClinGen allele CA294887927.

ClinVar aggregate classification (germline): Uncertain significance. Review status: criteria provided, multiple submitters, no conflicts (2 of 4 stars). 2 submissions from 2 submitters: Uncertain significance (2). Last evaluated 2025-10-01.

Conditions:
Primary ciliary dyskinesia. Also called: Ciliary dyskinesia. Identifiers: Orphanet 244, MedGen C0008780, MONDO:0016575, HP:0012265.

Allele frequency attached by ClinVar (database versions not stated): gnomAD 0.00001; gnomAD exomes 0.00001.
gnomAD v4.1: 20 of 1,559,372 alleles (0.0013%); highest among the groups gnomAD compares: Admixed American, 0.0077%; no homozygotes.

Submissions (2):

Labcorp Genetics (formerly Invitae), Labcorp
Classification: Uncertain significance for Primary ciliary dyskinesia. Last evaluated: 2025-10-01. Review status: criteria provided, single submitter. Criteria: Invitae Variant Classification Sherloc (09022015). Collection method: clinical testing. Allele origin: germline.
Comment: This sequence change replaces lysine, which is basic and polar, with glutamine, which is neutral and polar, at codon 385 of the CCDC40 protein (p.Lys385Gln). This variant is present in population databases (no rsID available, gnomAD 0.004%). This variant has not been reported in the literature in individuals affected with CCDC40-related conditions. ClinVar contains an entry for this variant (Variation ID: 2905136). Invitae Evidence Modeling of protein sequence and biophysical properties (such as structural, functional, and spatial information, amino acid conservation, physicochemical variation, residue mobility, and thermodynamic stability) indicates that this missense variant is not expected to disrupt CCDC40 protein function with a negative predictive value of 80%. In summary, the available evidence is currently insufficient to determine the role of this variant in disease. Therefore, it has been classified as a Variant of Uncertain Significance.

Ambry Genetics
Classification: Uncertain significance for Primary ciliary dyskinesia. Last evaluated: 2025-09-05. Review status: criteria provided, single submitter. Criteria: Ambry Variant Classification Scheme 2023. Collection method: clinical testing. Allele origin: germline.